The following is an entry in ClinVar:

ClinVar aggregate classification (germline): Uncertain significance (1 of 4 stars; one submission).

Conditions:
Diamond-Blackfan anemia. Also called: Blackfan Diamond syndrome; Aregenerative anemia chronic congenital; Red cell aplasia, pure hereditary; Congenital hypoplastic anemia; Aase syndrome. Identifiers: Orphanet 124, MedGen C1260899, MeSH D029503, MONDO:0015253, HP:0004810.

Submission:

Labcorp Genetics (formerly Invitae), Labcorp
Classification: Uncertain significance for Diamond-Blackfan anemia. Last evaluated: 2025-11-10. Review status: criteria provided, single submitter. Criteria: Invitae Variant Classification Sherloc (09022015). Collection method: clinical testing. Allele origin: germline.
Comment: This sequence change replaces proline, which is neutral and non-polar, with arginine, which is basic and polar, at codon 47 of the RPL5 protein (p.Pro47Arg). This variant is not present in population databases (gnomAD no frequency). This variant has not been reported in the literature in individuals affected with RPL5-related conditions. Invitae Evidence Modeling of protein sequence and biophysical properties (such as structural, functional, and spatial information, amino acid conservation, physicochemical variation, residue mobility, and thermodynamic stability) indicates that this missense variant is expected to disrupt RPL5 protein function with a positive predictive value of 80%. In summary, the available evidence is currently insufficient to determine the role of this variant in disease. Therefore, it has been classified as a Variant of Uncertain Significance.

NM_000969.5(RPL5):c.140C>G (p.Pro47Arg)

Genes: DIPK1A (divergent protein kinase domain 1A; minus strand), RPL5 (ribosomal protein L5; plus strand). Cytogenetic location: 1p22.1.
Variant type: single nucleotide variant.
Coding change: c.140C>G on transcript NM_000969.5 (MANE Select); coding-DNA position 140, C replaced by G.
Protein change: p.Pro47Arg; replaces proline 47 with arginine.
Molecular consequence: missense variant. On other transcripts: non-coding transcript variant (1), intron variant (1).
Genome position (GRCh38, 1-based): chr1:92,833,611, C>G. VCF-style: chr1-92833611-C-G. GRCh37 (hg19) VCF-style: chr1-93299168-C-G.
Other names: c.475-577G>C (NM_001252273.2); short protein forms P47R.
Identifiers: ClinVar variation 4752365 (VCV004752365.1).